The following is an entry in ClinVar:

NM_018928.3(PCDHGC4):c.758A>C (p.Glu253Ala)

Genes: PCDHG@ (protocadherin gamma cluster; plus strand), PCDHGA1 (protocadherin gamma subfamily A, 1; plus strand), PCDHGA10 (protocadherin gamma subfamily A, 10; plus strand), PCDHGA11 (protocadherin gamma subfamily A, 11; plus strand), PCDHGA12 (protocadherin gamma subfamily A, 12; plus strand) and 17 more. Cytogenetic location: 5q31.3.
Variant type: single nucleotide variant.
Coding change: c.758A>C on transcript NM_018928.3 (MANE Select); coding-DNA position 758, A replaced by C.
Protein change: p.Glu253Ala; replaces glutamic acid 253 with alanine.
Molecular consequence: missense variant. On other transcripts: intron variant (23).
Genome position (GRCh38, 1-based): chr5:141,485,931, A>C. VCF-style: chr5-141485931-A-C. GRCh37 (hg19) VCF-style: chr5-140865498-A-C.
Other names: c.758A>C, p.Glu253Ala (NM_032406.1); c.2422-8876A>C (NM_018912.3, NM_018923.3, NM_018918.3); c.2425-8876A>C (NM_018915.4, NM_018916.4, NM_018919.3 and 4 more transcripts); c.2410-8876A>C (NM_018922.3); c.2515-8876A>C (NM_018917.4); c.2416-8876A>C (NM_018924.5, NM_018927.4); c.2398-8876A>C (NM_003736.4, NM_018925.3); c.2419-8876A>C (NM_018926.3); and 6 more; short protein forms E253A.
Identifiers: ClinVar variation 4999626 (VCV004999626.1).
Genomic context (GRCh38, chr5:141,485,931, plus strand): 5'-TGGACGTAAACGACAACGCCCCAGCCTTCCAGCAATCCAGCTACAGGATTAGTGTGTTGG[A>C]GAGCGCACCAGCGGGCATGGTGCTCATCCAGCTCAATGCCTCAGACCCGGACCTGGGTCC-3'
Protein context (NP_061751.1, residues 243-263): QQSSYRISVL[Glu253Ala]SAPAGMVLIQ

ClinVar aggregate classification (germline): Uncertain significance (1 of 4 stars; one submission).

Conditions:
PCDHGC4-related disorder. Also called: PCDHGC4-related condition.

gnomAD v4.1: 3 of 1,614,192 alleles (0.00019%); highest among the groups gnomAD compares: South Asian, 0.0033%; no homozygotes.

Submission:

PreventionGenetics, part of Exact Sciences
Classification: Uncertain significance for PCDHGC4-related condition. Last evaluated: 2025-05-28. Review status: criteria provided, single submitter. Criteria: ACMG Guidelines, 2015. Collection method: clinical testing. Allele origin: germline.
Comment: The PCDHGC4 c.758A>C variant is predicted to result in the amino acid substitution p.Glu253Ala. To our knowledge, this variant has not been reported in the literature. This variant is reported in 0.0065% of alleles in individuals of South Asian descent in gnomAD. This variant is located within the extracellular cadherin domain, where all variants reported to date have been found (Iqbal et al. 2021. PubMed ID: 34244665). Although we suspect that this variant may be pathogenic, at this time, the clinical significance of this variant is uncertain due to the absence of conclusive functional and genetic evidence.